The following is an entry in ClinVar:

ClinVar aggregate classification (germline): Likely pathogenic. Review status: criteria provided, multiple submitters, no conflicts (2 of 4 stars). 2 submissions from 2 submitters: Likely pathogenic (2). Last evaluated 2025-08-10.

Conditions:
Autosomal recessive limb-girdle muscular dystrophy type 2J (LGMDR10). Also called: MUSCULAR DYSTROPHY, LIMB-GIRDLE, AUTOSOMAL RECESSIVE 10; Limb-girdle muscular dystrophy, type 2J. Identifiers: Orphanet 140922, MedGen C1837342, MONDO:0012127, OMIM 608807.
Dilated cardiomyopathy 1G (CMD1G). Identifiers: Orphanet 154, MedGen C1858763, MONDO:0011400, OMIM 604145.

Submissions (2):

Labcorp Genetics (formerly Invitae), Labcorp
Classification: Likely pathogenic for Dilated cardiomyopathy 1G; Autosomal recessive limb-girdle muscular dystrophy type 2J. Last evaluated: 2025-08-10. Review status: criteria provided, single submitter. Criteria: Invitae Variant Classification Sherloc (09022015). Collection method: clinical testing. Allele origin: germline.
Comment: This sequence change creates a premature translational stop signal (p.Ile3064*) in the TTN gene. While this is not anticipated to result in nonsense mediated decay, it is expected to create a truncated TTN protein. This variant is not present in population databases (gnomAD no frequency). This variant has not been reported in the literature in individuals affected with TTN-related conditions. ClinVar contains an entry for this variant (Variation ID: 2500881). This variant is located in the I band of TTN (PMID: 25589632). Truncating variants in this region have been reported in individuals affected with autosomal recessive centronuclear myopathy (PMID: 23975875, internal data). Truncating variants in this region have also been identified in individuals affected with autosomal dominant dilated cardiomyopathy and/or cardio-related conditions (PMID: 27869827, 32964742, internal data). In summary, the currently available evidence indicates that the variant is pathogenic, but additional data are needed to prove that conclusively. Therefore, this variant has been classified as Likely Pathogenic.

Broad Center for Mendelian Genomics, Broad Institute of MIT and Harvard
Classification: Likely pathogenic for Autosomal recessive limb-girdle muscular dystrophy type 2J. Last evaluated: 2023-05-02. Review status: criteria provided, single submitter. Criteria: ACMG Guidelines, 2015. Collection method: curation. Allele origin: germline. Inheritance: Autosomal recessive inheritance.
Comment: Trio exome analysis revealed that this variant was in trans with a likely pathogenic variant (ClinVar Variation ID: 130666). The p.Ile3064Terfs*1 variant in TTN has not been previously reported in individuals with autosomal recessive limb girdle muscular dystrophy 10. This variant was absent from large population studies. This variant is predicted to cause a frameshift, which alters the protein‚Äôs amino acid sequence beginning at position 3064 and leads to a premature termination codon 1 amino acids downstream. This alteration is then predicted to lead to a truncated or absent protein. Loss of function of the TTN gene is an established disease mechanism in autosomal recessive limb girdle muscular dystrophy 10. In summary, although additional studies are required to fully establish its clinical significance, this variant is likely pathogenic for autosomal recessive limb girdle muscular dystrophy 10. ACMG/AMP Criteria applied: PVS1, PM2_Supporting (Richards 2015).

Literature cited by the submitters: PubMed 25589632 (cited by Labcorp Genetics (formerly Invitae), Labcorp); PubMed 23975875 (cited by Labcorp Genetics (formerly Invitae), Labcorp); PubMed 27869827 (cited by Labcorp Genetics (formerly Invitae), Labcorp); PubMed 32964742 (cited by Labcorp Genetics (formerly Invitae), Labcorp).

NM_001267550.2(TTN):c.9189_9190del (p.His3063_Ile3064insTer)

Gene: TTN (titin; minus strand). Cytogenetic location: 2q31.2.
Variant type: Microsatellite.
Coding change: c.9189_9190del on transcript NM_001267550.2 (MANE Select); coding-DNA positions 9189 to 9190, 2 bases deleted (CA; older notation c.9189_9190delCA).
Protein change: p.His3063_Ile3064insTer.
Molecular consequence: frameshift variant.
Genome position (GRCh38, 1-based): chr2:178,768,129-178,768,130, TG deleted on the plus strand (CA on the coding strand, the reverse complement: TTN is on the minus strand); deleting any 2 consecutive bases within chr2:178,768,129-178,768,133 gives the same sequence; the c. name uses the placement nearest the transcript's 3' end. VCF-style (leftmost placement, unchanged base first): chr2-178768128-ATG-A. GRCh37 (hg19) VCF-style: chr2-179632855-ATG-A.
Other names: NM_133379.5:c.9189_9190del; c.9189_9190del, p.His3063_Ile3064insTer (NM_001256850.1, NM_133378.4, NM_133379.5); c.9051_9052del, p.His3017_Ile3018insTer (NM_003319.4, NM_133432.3, NM_133437.4).
Identifiers: ClinVar variation 2500881 (VCV002500881.2), dbSNP rs2532359044, ClinGen allele CA2573334560.